The following is an entry in ClinVar:

NM_000212.3(ITGB3):c.603C>A (p.Asn201Lys)

Gene: ITGB3 (integrin subunit beta 3; plus strand). Cytogenetic location: 17q21.32.
Variant type: single nucleotide variant.
Coding change: c.603C>A on transcript NM_000212.3 (MANE Select); coding-DNA position 603, C replaced by A.
Protein change: p.Asn201Lys; replaces asparagine 201 with lysine.
Molecular consequence: missense variant.
Genome position (GRCh38, 1-based): chr17:47,284,684, C>A. VCF-style: chr17-47284684-C-A. GRCh37 (hg19) VCF-style: chr17-45362050-C-A.
Other names: short protein forms N201K.
Identifiers: ClinVar variation 2984069 (VCV002984069.3), dbSNP rs1216762390, ClinGen allele CA400023316.

ClinVar aggregate classification (germline): Uncertain significance (1 of 4 stars; one submission).

Allele frequency attached by ClinVar (database versions not stated): TOPMed below 0.00001.

Submission:

Labcorp Genetics (formerly Invitae), Labcorp
Classification: Uncertain significance. Last evaluated: 2023-02-22. Review status: criteria provided, single submitter. Criteria: Invitae Variant Classification Sherloc (09022015). Collection method: clinical testing. Allele origin: germline.
Comment: In summary, the available evidence is currently insufficient to determine the role of this variant in disease. Therefore, it has been classified as a Variant of Uncertain Significance. Advanced modeling of protein sequence and biophysical properties (such as structural, functional, and spatial information, amino acid conservation, physicochemical variation, residue mobility, and thermodynamic stability) performed at Invitae indicates that this missense variant is expected to disrupt ITGB3 protein function. This missense change has been observed in individual(s) with Glanzmann thrombasthenia (Invitae). In at least one individual the data is consistent with being in trans (on the opposite chromosome) from a pathogenic variant. This variant is not present in population databases (gnomAD no frequency). This sequence change replaces asparagine, which is neutral and polar, with lysine, which is basic and polar, at codon 201 of the ITGB3 protein (p.Asn201Lys).